The following is an entry in ClinVar:

ClinVar aggregate classification (germline): Benign/Likely benign. Review status: criteria provided, multiple submitters, no conflicts (2 of 4 stars). 5 submissions from 5 submitters: Benign (2); Likely benign (3). Last evaluated 2026-01-15.

Conditions:
Cardiovascular phenotype. Identifiers: MedGen CN230736.
RASopathy. Also called: rasopathies; Noonan spectrum disorder. Identifiers: Orphanet 536391, MedGen C5555857, MONDO:0021060.

Allele frequency attached by ClinVar (database versions not stated): gnomAD exomes 0.00006; ExAC 0.00010; TOPMed 0.00010; 1000 Genomes Project 30x 0.00016; 1000 Genomes Project 0.00020.
gnomAD v4.1: 58 of 1,601,892 alleles (0.0036%); highest among the groups gnomAD compares: Admixed American, 0.017%; no homozygotes.

Submissions (5):

Labcorp Genetics (formerly Invitae), Labcorp
Classification: Likely benign for RASopathy. Last evaluated: 2026-01-15. Review status: criteria provided, single submitter. Criteria: Invitae Variant Classification Sherloc (09022015). Collection method: clinical testing. Allele origin: germline.

Blueprint Genetics
Classification: Likely benign. Last evaluated: 2024-08-30. Review status: criteria provided, single submitter. Criteria: ACMG Guidelines, 2015. Collection method: clinical testing. Allele origin: germline.

Ambry Genetics
Classification: Likely benign for Cardiovascular phenotype. Last evaluated: 2022-06-06. Review status: criteria provided, single submitter. Criteria: Ambry Variant Classification Scheme 2023. Collection method: clinical testing. Allele origin: germline.

Women's Health and Genetics/Laboratory Corporation of America, LabCorp
Classification: Benign. Last evaluated: 2019-04-29. Review status: criteria provided, single submitter. Criteria: LabCorp Variant Classification Summary - May 2015. Collection method: clinical testing. Allele origin: germline.
Comment: Variant summary: MAP2K2 c.903C>T alters a non-conserved nucleotide resulting in a synonymous change. 5/5 computational tools predict no significant impact on normal splicing. However, these predictions have yet to be confirmed by functional studies. The variant allele was found at a frequency of 5.8e-05 in 224796 control chromosomes. The observed variant frequency is approximately 23 fold of the estimated maximal expected allele frequency for a pathogenic variant in MAP2K2 causing Noonan Syndrome and Related Conditions phenotype (2.5e-06), strongly suggesting that the variant is benign. To our knowledge, no occurrence of c.903C>T in individuals affected with Noonan Syndrome and Related Conditions and no experimental evidence demonstrating its impact on protein function have been reported. Co-occurrences with other pathogenic variant(s) have been reported (PTPN11 c.417G>C, p.Glu139Asp), providing supporting evidence for a benign role. One clinical diagnostic laboratory has submitted clinical-significance assessments for this variant to ClinVar after 2014 without evidence for independent evaluation, and classified the variant as likely benign. Based on the evidence outlined above, the variant was classified as benign.

GeneDx
Classification: Benign. Last evaluated: 2015-03-03. Review status: criteria provided, single submitter. Criteria: GeneDx Variant Classification Process June 2021. Collection method: clinical testing. Allele origin: germline. Affected: yes.

NM_030662.4(MAP2K2):c.903C>T (p.Pro301=)

Gene: MAP2K2 (mitogen-activated protein kinase kinase 2; minus strand). Cytogenetic location: 19p13.3.
Variant type: single nucleotide variant.
Coding change: c.903C>T on transcript NM_030662.4 (MANE Select); coding-DNA position 903, C replaced by T.
Protein change: p.Pro301=; no amino-acid change (proline 301 retained).
Molecular consequence: synonymous variant.
Genome position (GRCh38, 1-based): chr19:4,099,217, G>A on the plus strand (C>T on the coding strand, the complement: MAP2K2 is on the minus strand). VCF-style: chr19-4099217-G-A. GRCh37 (hg19) VCF-style: chr19-4099215-G-A.
Other names: p.P301P.
Identifiers: ClinVar variation 40833 (VCV000040833.19), dbSNP rs560316877, ClinGen allele CA9090801.